The following is an entry in ClinVar:

NM_000138.5(FBN1):c.7454-330G>A

Gene: FBN1 (fibrillin 1; minus strand). Cytogenetic location: 15q21.1.
Variant type: single nucleotide variant.
Coding change: c.7454-330G>A on transcript NM_000138.5 (MANE Select); 330 bases into the intron before coding-DNA position 7454, G replaced by A.
Molecular consequence: intron variant.
Genome position (GRCh38, 1-based): chr15:48,422,398, C>T on the plus strand (G>A on the coding strand, the complement: FBN1 is on the minus strand). VCF-style: chr15-48422398-C-T. GRCh37 (hg19) VCF-style: chr15-48714595-C-T.
Identifiers: ClinVar variation 668569 (VCV000668569.1), dbSNP rs56746675, ClinGen allele CA15849930.

ClinVar aggregate classification (germline): Likely benign (1 of 4 stars; one submission).

Allele frequency attached by ClinVar (database versions not stated): gnomAD 0.02327 and 0.02428; TOPMed 0.02753; 1000 Genomes Project 30x 0.04716; 1000 Genomes Project 0.04892.
gnomAD v4.1: 3,756 of 152,092 alleles (2.5%); highest among the groups gnomAD compares: East Asian, 8.2%; 81 homozygotes.

Submission:

GeneDx
Classification: Likely benign. Last evaluated: 2018-06-14. Review status: criteria provided, single submitter. Criteria: GeneDx Variant Classification (06012015). Collection method: clinical testing. Allele origin: germline. Affected: yes.
Comment: This variant is considered likely benign or benign based on one or more of the following criteria: it is a conservative change, it occurs at a poorly conserved position in the protein, it is predicted to be benign by multiple in silico algorithms, and/or has population frequency not consistent with disease.